The following is an entry in ClinVar:

NM_001098511.3(KIF2A):c.1467+6T>C

Gene: KIF2A (kinesin family member 2A; plus strand). Cytogenetic location: 5q12.1.
Variant type: single nucleotide variant.
Coding change: c.1467+6T>C on transcript NM_001098511.3 (MANE Select); 6 bases into the intron after coding-DNA position 1467, T replaced by C.
Molecular consequence: intron variant.
Genome position (GRCh38, 1-based): chr5:62,363,905, T>C. VCF-style: chr5-62363905-T-C. GRCh37 (hg19) VCF-style: chr5-61659732-T-C.
Other names: c.1386+6T>C (NM_001243952.2); c.1467+6T>C (NM_004520.5); c.1410+6T>C (NM_001243953.2).
Identifiers: ClinVar variation 4772144 (VCV004772144.1).

ClinVar aggregate classification (germline): Uncertain significance (1 of 4 stars; one submission).

Submission:

Labcorp Genetics (formerly Invitae), Labcorp
Classification: Uncertain significance. Last evaluated: 2025-12-13. Review status: criteria provided, single submitter. Criteria: Invitae Variant Classification Sherloc (09022015). Collection method: clinical testing. Allele origin: germline.
Comment: This sequence change falls in intron 14 of the KIF2A gene. It does not directly change the encoded amino acid sequence of the KIF2A protein. It affects a nucleotide within the consensus splice site. This variant is not present in population databases (gnomAD no frequency). This variant has not been reported in the literature in individuals affected with KIF2A-related conditions. Variants that disrupt the consensus splice site are a relatively common cause of aberrant splicing (PMID: 17576681, 9536098). Algorithms developed to predict the effect of sequence changes on RNA splicing suggest that this variant is not likely to affect RNA splicing. In summary, the available evidence is currently insufficient to determine the role of this variant in disease. Therefore, it has been classified as a Variant of Uncertain Significance.

Literature cited by the submitters: PubMed 17576681; PubMed 9536098.